The following is an entry in ClinVar:

ClinVar aggregate classification (germline): Likely benign (0 of 4 stars; one submission).

Conditions:
RPS6KA3-related disorder. Also called: RPS6KA3-related condition.

gnomAD v4.1: 4 of 1,134,218 alleles (0.00035%); highest among the groups gnomAD compares: Middle Eastern, 0.028%; no homozygotes.

Submission:

PreventionGenetics, part of Exact Sciences
Classification: Likely benign for RPS6KA3-related condition. Last evaluated: 2022-10-11. Review status: no assertion criteria provided. Collection method: clinical testing. Allele origin: germline.
Comment: This variant is classified as likely benign based on ACMG/AMP sequence variant interpretation guidelines (Richards et al. 2015 PMID: 25741868, with internal and published modifications).

NM_004586.3(RPS6KA3):c.-9G>A

Gene: RPS6KA3 (ribosomal protein S6 kinase A3; minus strand). Cytogenetic location: Xp22.12.
Variant type: single nucleotide variant.
Coding change: c.-9G>A on transcript NM_004586.3 (MANE Select); 9 bases upstream of the start codon, G replaced by A.
Molecular consequence: 5 prime UTR variant.
Genome position (GRCh38, 1-based): chrX:20,266,641, C>T on the plus strand (G>A on the coding strand, the complement: RPS6KA3 is on the minus strand). VCF-style: chrX-20266641-C-T. GRCh37 (hg19) VCF-style: chrX-20284759-C-T.
Identifiers: ClinVar variation 3354179 (VCV003354179.1).